The following is an entry in ClinVar:

ClinVar aggregate classification (germline): Pathogenic. Review status: reviewed by expert panel (3 of 4 stars). 2 submissions from 2 submitters: Pathogenic (1). 1 of the submissions does not count toward it. Last evaluated 2025-05-02.

Conditions:
Hereditary thrombocytopenia and hematologic cancer predisposition syndrome. Identifiers: Orphanet 71290, MedGen CN281654, MONDO:0011071.
Hereditary thrombocytopenia and hematological cancer predisposition syndrome associated with RUNX1. Also called: Familial Platelet Disorder with Propensity to Acute Myelogenous Leukemia; Familial thrombocytopenia with propensity to acute myelogenous leukemia; PLATELET DISORDER, ASPIRIN-LIKE; RUNX1 Familial Platelet Disorder with Associated Myeloid Malignancies. Identifiers: Orphanet 71290, MedGen C1832388, MeSH C563324, MONDO:0100083, OMIM 601399.

Submissions (2):

ClinGen Myeloid Malignancy Variant Curation Expert Panel
Classification: Pathogenic for Hereditary thrombocytopenia and hematologic cancer predisposition syndrome. Last evaluated: 2025-05-02. Review status: reviewed by expert panel. Criteria: ClinGen MyeloMalig ACMG Specifications v2. Collection method: curation. Allele origin: germline. Inheritance: Autosomal dominant inheritance.
Comment: NM_001754.5(RUNX1):c.1117_1132del (p.Ser373fs) is a nonsense variant which is completely absent from all population databases with at least 20x coverage for RUNX1 (PM2_supporting). This variant is not predicted to undergo NMD, and the truncated/altered region is critical for protein function (frameshift (-) c.759-c.1440 as per VCEP specifications) (PVS1_strong). This variant is a nonsense/frameshift variants that is downstream of c.98 (PM5_Supporting). In summary, the clinical significance of this variant is pathogenic. ACMG/AMP criteria applied, as specified by the Myeloid Malignancy Variant Curation Expert Panel for RUNX1: PM2_supporting, PVS1_strong, PM5_supporting.

Labcorp Genetics (formerly Invitae), Labcorp
Classification: Pathogenic for Hereditary thrombocytopenia and hematological cancer predisposition syndrome associated with RUNX1. Last evaluated: 2024-08-08. Review status: criteria provided, single submitter. Criteria: Invitae Variant Classification Sherloc (09022015). Collection method: clinical testing. Allele origin: germline. Not counted in ClinVar's aggregate classification.
Comment: This sequence change results in a frameshift in the RUNX1 gene (p.Ser373Thrfs*216). While this is not anticipated to result in nonsense mediated decay, it is expected to disrupt the last 108 amino acid(s) of the RUNX1 protein and extend the protein by 107 additional amino acid residues. This variant is not present in population databases (gnomAD no frequency). This variant has not been reported in the literature in individuals affected with RUNX1-related conditions. This variant disrupts a region of the RUNX1 protein in which other variant(s) (p.Tyr414*) have been determined to be pathogenic (PMID: 30600763, 36583461). This suggests that this is a clinically significant region of the protein, and that variants that disrupt it are likely to be disease-causing. For these reasons, this variant has been classified as Pathogenic.

Literature cited by the submitters: PubMed 30600763 (cited by Labcorp Genetics (formerly Invitae), Labcorp); PubMed 36583461 (cited by Labcorp Genetics (formerly Invitae), Labcorp).

NM_001754.5(RUNX1):c.1117_1132del (p.Ser373fs)

Gene: RUNX1 (RUNX family transcription factor 1; minus strand). Cytogenetic location: 21q22.12.
Variant type: Deletion.
Coding change: c.1117_1132del on transcript NM_001754.5 (MANE Select); coding-DNA positions 1117 to 1132, 16 bases deleted (TCGGCCACGCGCTACC).
Protein change: p.Ser373fs; shifts the reading frame from serine 373.
Molecular consequence: frameshift variant.
Genome position (GRCh38, 1-based): chr21:34,792,446-34,792,461, GGTAGCGCGTGGCCGA deleted on the plus strand (TCGGCCACGCGCTACC on the coding strand, the reverse complement: RUNX1 is on the minus strand); deleting any 16 consecutive bases within chr21:34,792,446-34,792,462 gives the same sequence; the c. name uses the placement nearest the transcript's 3' end. VCF-style (leftmost placement, unchanged base first): chr21-34792445-TGGTAGCGCGTGGCCGA-T. GRCh37 (hg19) VCF-style: chr21-36164742-TGGTAGCGCGTGGCCGA-T.
Other names: NM_001754.5(RUNX1):c.1117_1132del; p.Ser373fs; c.1036_1051del, p.Ser346fs (NM_001001890.3); short protein forms S373fs, S346fs.
Identifiers: ClinVar variation 3661791 (VCV003661791.3).